The following is an entry in ClinVar:

NM_001079802.2(FKTN):c.41C>T (p.Thr14Met)

Gene: FKTN (fukutin; plus strand). Cytogenetic location: 9q31.2.
Variant type: single nucleotide variant.
Coding change: c.41C>T on transcript NM_001079802.2 (MANE Select); coding-DNA position 41, C replaced by T.
Protein change: p.Thr14Met; replaces threonine 14 with methionine.
Molecular consequence: missense variant. On other transcripts: 5 prime UTR variant (5), non-coding transcript variant (2).
Genome position (GRCh38, 1-based): chr9:105,575,073, C>T. VCF-style: chr9-105575073-C-T. GRCh37 (hg19) VCF-style: chr9-108337354-C-T.
Other names: c.41C>T, p.Thr14Met (NM_001198963.2, NM_001351496.2, NM_001351498.2 and 1 more transcripts); c.-127C>T (NM_001351497.2); c.-474C>T (NM_001351499.2, NM_001351500.2, NM_001351501.2 and 1 more transcripts); short protein forms T14M.
Identifiers: ClinVar variation 93520 (VCV000093520.32), dbSNP rs149033995, ClinGen allele CA221461.

ClinVar aggregate classification (germline): Conflicting classifications of pathogenicity. Review status: criteria provided, conflicting classifications (1 of 4 stars). 11 submissions from 11 submitters: Uncertain significance (9); Likely benign (1). 1 of the submissions does not count toward it. Last evaluated 2026-01-27.

Conditions:
Walker-Warburg congenital muscular dystrophy. Also called: Muscular dystrophy-dystroglycanopathy, type A; Walker-Warburg syndrome. Identifiers: Orphanet 899, MedGen C0265221, MONDO:0000171.
FKTN-related disorder. Also called: FKTN-related disorders; FKTN-related condition.
Cardiovascular phenotype. Identifiers: MedGen CN230736.
Muscular dystrophy-dystroglycanopathy (congenital without impaired intellectual development), type B, 4. Also called: Muscular dystrophy-dystroglycanopathy (congenital without intellectual disability), type B4; MUSCULAR DYSTROPHY, CONGENITAL, FKTN-RELATED. Identifiers: MedGen C2751052, MONDO:0013156, OMIM 613152.
Dilated cardiomyopathy 1X (CMD1X). Also called: FKTN-Related Dilated Cardiomyopathy; CARDIOMYOPATHY, DILATED, WITH MILD OR NO PROXIMAL MUSCLE WEAKNESS. Identifiers: Orphanet 154, MedGen C1969024, MONDO:0012704, OMIM 611615.
Muscular dystrophy-dystroglycanopathy (congenital with brain and eye anomalies), type A, 4 (MDDGA4). Also called: Congenital muscular dystrophy-dystroglycanopathy with brain and eye anomalies, type A4; Walker-Warburg Syndrome, Fktn-Related; Muscular dystrophy, congenital progressive, with mental retardation; Muscular dystrophy, congenital, with central nervous system involvement; Cerebromuscular dystrophy, Fukuyama type; Fukuyama congenital muscular dystrophy. Identifiers: Orphanet 272, Orphanet 588, Orphanet 899, MedGen C0410174, MONDO:0009678, OMIM 253800.
Autosomal recessive limb-girdle muscular dystrophy type 2M. Also called: MUSCULAR DYSTROPHY, LIMB-GIRDLE, TYPE 2M; MUSCULAR DYSTROPHY-DYSTROGLYCANOPATHY (LIMB-GIRDLE), TYPE C, 4. Identifiers: Orphanet 206554, MedGen C1969040, MONDO:0012699, OMIM 611588.
Muscular dystrophy-dystroglycanopathy (congenital with brain and eye anomalies), type A1 (MDDGA1). Also called: Muscular dystrophy-dystroglycanopathy (congenital with brain and eye anomalies), type A, 1; WALKER-WARBURG SYNDROME OR MUSCLE-EYE-BRAIN DISEASE, POMT1-RELATED; Hydrocephalus, agyria and retinal dysplasia; Hard +/- E syndrome; Warburg syndrome; Chemke syndrome. Identifiers: Orphanet 588, Orphanet 899, MedGen C4284790, MONDO:0009364, OMIM 236670.

Allele frequency attached by ClinVar (database versions not stated): ExAC 0.00006; 1000 Genomes Project 0.00020; TOPMed 0.00012; gnomAD exomes 0.00002 and 0.00005; ESP Exome Variant Server 0.00015; 1000 Genomes Project 30x 0.00016; gnomAD 0.00019.
gnomAD v4.1: 60 of 1,612,080 alleles (0.0037%); highest among the groups gnomAD compares: Middle Eastern, 0.083%; no homozygotes.

Submissions (11):

Labcorp Genetics (formerly Invitae), Labcorp
Classification: Likely benign for Walker-Warburg congenital muscular dystrophy. Last evaluated: 2026-01-27. Review status: criteria provided, single submitter. Criteria: Invitae Variant Classification Sherloc (09022015). Collection method: clinical testing. Allele origin: germline.

Women's Health and Genetics/Laboratory Corporation of America, LabCorp
Classification: Uncertain significance. Last evaluated: 2025-12-12. Review status: criteria provided, single submitter. Criteria: LabCorp Variant Classification Summary - May 2015. Collection method: clinical testing. Allele origin: germline.
Comment: Variant summary: FKTN c.41C>T (p.Thr14Met) results in a non-conservative amino acid change in the encoded protein sequence. Algorithms developed to predict the effect of missense changes on protein structure and function all suggest that this variant is likely to be disruptive. The variant allele was found at a frequency of 4.8e-05 in 251354 control chromosomes. This frequency is not significantly higher than estimated for disease-causing variants in FKTN, allowing no conclusion about variant significance. c.41C>T has been observed in an individual affected with congenital muscle dystrophy, without strong evidence of causality (example: Masri_2022). This report does not provide unequivocal conclusions about association of the variant with Cardiomyopathy. To our knowledge, no experimental evidence demonstrating an impact on protein function has been reported. The following publication has been ascertained in the context of this evaluation (PMID: 35533453). ClinVar contains an entry for this variant (Variation ID: 93520). Based on the evidence outlined above, the variant was classified as uncertain significance.

PreventionGenetics, part of Exact Sciences
Classification: Uncertain significance for FKTN-related condition. Last evaluated: 2024-12-26. Review status: criteria provided, single submitter. Criteria: ACMG Guidelines, 2015. Collection method: clinical testing. Allele origin: germline.
Comment: The FKTN c.41C>T variant is predicted to result in the amino acid substitution p.Thr14Met. To our knowledge, this variant has not been reported in the literature. This variant is reported in 0.044% of alleles in individuals of African descent in gnomAD. At this time, the clinical significance of this variant is uncertain due to the absence of conclusive functional and genetic evidence.

Revvity Omics, Revvity
Classification: Uncertain significance. Last evaluated: 2024-05-15. Review status: criteria provided, single submitter. Criteria: ACMG Guidelines, 2015. Collection method: clinical testing. Allele origin: germline.

Ambry Genetics
Classification: Uncertain significance for Cardiovascular phenotype. Last evaluated: 2024-04-29. Review status: criteria provided, single submitter. Criteria: Ambry Variant Classification Scheme 2023. Collection method: clinical testing. Allele origin: germline.

Blueprint Genetics
Classification: Uncertain significance. Last evaluated: 2022-06-21. Review status: criteria provided, single submitter. Criteria: ACMG Guidelines, 2015. Collection method: clinical testing. Allele origin: germline.

Fulgent Genetics
Classification: Uncertain significance for Muscular dystrophy-dystroglycanopathy (congenital with brain and eye anomalies), type A1; Muscular dystrophy-dystroglycanopathy (congenital with brain and eye anomalies), type A, 4; Autosomal recessive limb-girdle muscular dystrophy type 2M; Dilated cardiomyopathy 1X; Muscular dystrophy-dystroglycanopathy (congenital without impaired intellectual development), type B, 4. Last evaluated: 2021-11-04. Review status: criteria provided, single submitter. Criteria: ACMG Guidelines, 2015. Collection method: clinical testing. Allele origin: unknown.

Mayo Clinic Laboratories, Mayo Clinic
Classification: Uncertain significance. Last evaluated: 2019-04-15. Review status: criteria provided, single submitter. Criteria: ACMG Guidelines, 2015. Collection method: clinical testing. Allele origin: germline. Observed: 1 variant allele.

Eurofins Ntd Llc (ga)
Classification: Uncertain significance. Last evaluated: 2018-07-27. Review status: criteria provided, single submitter. Criteria: EGL ClinVar v180209 classification definitions. Collection method: clinical testing. Allele origin: germline. Observed: 3 variant alleles, 3 heterozygotes.

Breakthrough Genomics
Classification: Uncertain significance. Review status: criteria provided, single submitter. Criteria: ACMG Guidelines, 2015. Collection method: not provided. Allele origin: germline. Inheritance: Autosomal recessive inheritance. Affected: yes.

Natera, Inc.
Classification: Uncertain significance for Walker-Warburg congenital muscular dystrophy. Last evaluated: 2020-02-21. Review status: no assertion criteria provided. Collection method: clinical testing. Allele origin: germline. Not counted in ClinVar's aggregate classification.

Literature cited by the submitters: PubMed 35533453 (cited by Women's Health and Genetics/Laboratory Corporation of America, LabCorp).